The following is an entry in ClinVar:

NM_000559.3(HBG1):c.227C>T (p.Thr76Ile)

Genes: HBG1 (hemoglobin subunit gamma 1; minus strand), LOC106099064 (HBG1 recombination region; plus strand). Cytogenetic location: 11p15.4.
Variant type: single nucleotide variant.
Coding change: c.227C>T on transcript NM_000559.3 (MANE Select); coding-DNA position 227, C replaced by T.
Protein change: p.Thr76Ile; replaces threonine 76 with isoleucine.
Molecular consequence: missense variant.
Genome position (GRCh38, 1-based): chr11:5,249,456, G>A on the plus strand (C>T on the coding strand, the complement: HBG1 is on the minus strand). VCF-style: chr11-5249456-G-A. GRCh37 (hg19) VCF-style: chr11-5270686-G-A.
Other names: I75T; short protein forms T76I.
Identifiers: ClinVar variation 15005 (VCV000015005.20), dbSNP rs1061234, ClinGen allele CA124578.
Genomic context (GRCh38, chr11:5,249,456, plus strand): 5'-TTGTCACAGTGCAGTTCACTCAGCTGGGCAAAGGTGCCCTTGAGATCATCCAGGTGCTTT[G>A]TGGCATCTCCCAAGGAAGTCAGCACCTTCTTGCCATGTGCCTTGACTTTGGGGTTGCCCA-3'
Protein context (NP_000550.2, residues 66-86): KKVLTSLGDA[Thr76Ile]KHLDDLKGTF

ClinVar aggregate classification (germline): Benign. Review status: criteria provided, multiple submitters, no conflicts (2 of 4 stars). 5 submissions from 4 submitters: Benign (3). 2 of the submissions do not count toward it. Last evaluated 2025-07-18.

Conditions:
Hereditary persistence of fetal hemoglobin. Identifiers: MedGen C0019025, MONDO:0020989, OMIM 141749.
HEMOGLOBIN F (SARDINIA).
HBG1 POLYMORPHISM.

Allele frequency attached by ClinVar (database versions not stated): ExAC 0.08202; gnomAD exomes 0.35682.

Submissions (5):

ARUP Laboratories, Molecular Genetics and Genomics, ARUP Laboratories
Classification: Benign for Hereditary persistence of fetal hemoglobin. Last evaluated: 2025-07-18. Review status: criteria provided, single submitter. Criteria: ARUP Molecular Germline Variant Investigation Process 2024. Collection method: clinical testing. Allele origin: germline.

Laboratory for Molecular Medicine, Mass General Brigham Personalized Medicine
Classification: Benign. Last evaluated: 2016-03-28. Review status: criteria provided, single submitter. Criteria: LMM Criteria. Collection method: clinical testing. Allele origin: germline.
Comment: Variant identified in a genome or exome case(s) and assessed due to predicted null impact of the variant or pathogenic assertions in the literature or databases. Disclaimer: This variant has not undergone full assessment. The following are preliminary notes: Frequency

Breakthrough Genomics
Classification: Benign. Review status: criteria provided, single submitter. Criteria: ACMG Guidelines, 2015. Collection method: not provided. Allele origin: germline. Inheritance: Autosomal dominant inheritance. Affected: yes.

OMIM
Classification: other for HEMOGLOBIN F (SARDINIA). Last evaluated: 2021-03-25. Review status: no assertion criteria provided. Collection method: literature only. Allele origin: germline. Not counted in ClinVar's aggregate classification.

OMIM
Classification: Benign for HBG1 POLYMORPHISM. Last evaluated: 1985-01-01. Review status: no assertion criteria provided. Collection method: literature only. Allele origin: germline. Not counted in ClinVar's aggregate classification.

Literature cited by the submitters: PubMed 808940 (cited by OMIM); PubMed 291015 (cited by OMIM); PubMed 8718701 (cited by OMIM); PubMed 939551 (cited by OMIM); Schroeder, W. A., Huisman, T. H. J. Human gamma chains: structural features. In: Stamatoyannopoulos, G., Nienhuis, A. W. Cellular and Molecular Regulation of Hemoglobin Switching. New York: Grune and Stratton (pub.) 28-45, 1979. (cited by OMIM); PubMed 6160889 (cited by OMIM); PubMed 2412945 (cited by OMIM).